The following is an entry in ClinVar:

ClinVar aggregate classification (germline): Likely benign. Review status: criteria provided, single submitter (1 of 4 stars). 2 submissions from 2 submitters: Likely benign (1). 1 of the submissions does not count toward it. Last evaluated 2023-05-01.

Conditions:
VIPAS39-related disorder. Also called: VIPAS39-related condition.

Submissions (2):

CeGaT Center for Human Genetics Tuebingen
Classification: Likely benign. Last evaluated: 2023-05-01. Review status: criteria provided, single submitter. Criteria: CeGaT Center For Human Genetics Tuebingen Variant Classification Criteria Version 2. Collection method: clinical testing. Allele origin: germline. Affected: yes. Observed: 1 variant allele.
Comment: VIPAS39: PM2:Supporting, BP4, BP7

PreventionGenetics, part of Exact Sciences
Classification: Likely benign for VIPAS39-related condition. Last evaluated: 2024-01-31. Review status: no assertion criteria provided. Collection method: clinical testing. Allele origin: germline. Not counted in ClinVar's aggregate classification.
Comment: This variant is classified as likely benign based on ACMG/AMP sequence variant interpretation guidelines (Richards et al. 2015 PMID: 25741868, with internal and published modifications).

NM_001193315.2(VIPAS39):c.1323C>G (p.Ala441=)

Gene: VIPAS39 (VPS33B interacting protein, apical-basolateral polarity regulator, spe-39 homolog; minus strand). Cytogenetic location: 14q24.3.
Variant type: single nucleotide variant.
Coding change: c.1323C>G on transcript NM_001193315.2 (MANE Select); coding-DNA position 1323, C replaced by G.
Protein change: p.Ala441=; no amino-acid change (alanine 441 retained).
Molecular consequence: synonymous variant. On other transcripts: non-coding transcript variant (1).
Genome position (GRCh38, 1-based): chr14:77,429,039, G>C on the plus strand (C>G on the coding strand, the complement: VIPAS39 is on the minus strand). VCF-style: chr14-77429039-G-C. GRCh37 (hg19) VCF-style: chr14-77895382-G-C.
Other names: c.1230C>G, p.Ala410= (NM_001400333.1, NM_001400334.1); c.1323C>G, p.Ala441= (NM_001400335.1, NM_022067.4, NM_001193314.2 and 2 more transcripts); c.1188C>G, p.Ala396= (NM_001400336.1); c.1083C>G, p.Ala361= (NM_001400337.1); c.1044C>G, p.Ala348= (NM_001400338.1); c.1038C>G, p.Ala346= (NM_001400339.1); c.1176C>G, p.Ala392= (NM_001193316.2, NM_001400324.1, NM_001400325.1); c.1290C>G, p.Ala430= (NM_001400327.1); and 2 more.
Identifiers: ClinVar variation 2570887 (VCV002570887.28), dbSNP rs2503114844, ClinGen allele CA487331605.